The following is an entry in ClinVar:

ClinVar aggregate classification (germline): Likely benign. Review status: criteria provided, multiple submitters, no conflicts (2 of 4 stars). 4 submissions from 4 submitters: Likely benign (2). 2 of the submissions do not count toward it. Last evaluated 2025-10-02.

Conditions:
Bardet-Biedl syndrome 10 (BBS10). Identifiers: Orphanet 110, MedGen C1859568, MONDO:0014438, OMIM 615987.
BBS10-related disorder. Also called: BBS10-related condition.
Bardet-Biedl syndrome (BBS). Identifiers: Orphanet 110, MedGen C0752166, MONDO:0015229.

Allele frequency attached by ClinVar (database versions not stated): gnomAD exomes 0.00001 and 0.00003; ExAC 0.00002; gnomAD 0.00003; TOPMed 0.00003.

Submissions (4):

Labcorp Genetics (formerly Invitae), Labcorp
Classification: Likely benign for Bardet-Biedl syndrome. Last evaluated: 2025-10-02. Review status: criteria provided, single submitter. Criteria: Invitae Variant Classification Sherloc (09022015). Collection method: clinical testing. Allele origin: germline.

Fulgent Genetics
Classification: Likely benign for Bardet-Biedl syndrome 10. Last evaluated: 2022-01-11. Review status: criteria provided, single submitter. Criteria: ACMG Guidelines, 2015. Collection method: clinical testing. Allele origin: unknown.

PreventionGenetics, part of Exact Sciences
Classification: Likely benign for BBS10-related condition. Last evaluated: 2021-12-08. Review status: no assertion criteria provided. Collection method: clinical testing. Allele origin: germline. Not counted in ClinVar's aggregate classification.
Comment: This variant is classified as likely benign based on ACMG/AMP sequence variant interpretation guidelines (Richards et al. 2015 PMID: 25741868, with internal and published modifications).

Natera, Inc.
Classification: Likely benign for Bardet-Biedl syndrome type 10. Last evaluated: 2020-07-31. Review status: no assertion criteria provided. Collection method: clinical testing. Allele origin: germline. Not counted in ClinVar's aggregate classification.

NM_024685.4(BBS10):c.1287T>C (p.Asp429=)

Gene: BBS10 (Bardet-Biedl syndrome 10; minus strand). Cytogenetic location: 12q21.2.
Variant type: single nucleotide variant.
Coding change: c.1287T>C on transcript NM_024685.4 (MANE Select); coding-DNA position 1287, T replaced by C.
Protein change: p.Asp429=; no amino-acid change (aspartic acid 429 retained).
Molecular consequence: synonymous variant.
Genome position (GRCh38, 1-based): chr12:76,346,698, A>G on the plus strand (T>C on the coding strand, the complement: BBS10 is on the minus strand). VCF-style: chr12-76346698-A-G. GRCh37 (hg19) VCF-style: chr12-76740478-A-G.
Identifiers: ClinVar variation 704355 (VCV000704355.12), dbSNP rs771468663, ClinGen allele CA6694197.